The following is an entry in ClinVar:

ClinVar aggregate classification (germline): Uncertain significance (1 of 4 stars; one submission).

Conditions:
Glycogen storage disease, type II (IOPD). Also called: GLYCOGENOSIS, GENERALIZED, CARDIAC FORM; GSD II; POMPE DISEASE, INFANTILE-ONSET; GLYCOGEN STORAGE DISEASE II, INFANTILE-ONSET; ACID ALPHA-GLUCOSIDASE DEFICIENCY, INFANTILE-ONSET; GAA DEFICIENCY, INFANTILE-ONSET. Identifiers: Orphanet 365, MedGen C0017921, MONDO:0009290, OMIM 232300.

Submission:

Labcorp Genetics (formerly Invitae), Labcorp
Classification: Uncertain significance for Glycogen storage disease, type II. Last evaluated: 2023-10-04. Review status: criteria provided, single submitter. Criteria: Invitae Variant Classification Sherloc (09022015). Collection method: clinical testing. Allele origin: germline.
Comment: This sequence change replaces tyrosine, which is neutral and polar, with asparagine, which is neutral and polar, at codon 378 of the GAA protein (p.Tyr378Asn). This variant is not present in population databases (gnomAD no frequency). This variant has not been reported in the literature in individuals affected with GAA-related conditions. Advanced modeling of protein sequence and biophysical properties (such as structural, functional, and spatial information, amino acid conservation, physicochemical variation, residue mobility, and thermodynamic stability) performed at Invitae indicates that this missense variant is expected to disrupt GAA protein function. In summary, the available evidence is currently insufficient to determine the role of this variant in disease. Therefore, it has been classified as a Variant of Uncertain Significance.

NM_000152.5(GAA):c.1132T>A (p.Tyr378Asn)

Gene: GAA (alpha glucosidase; plus strand). Cytogenetic location: 17q25.3.
Variant type: single nucleotide variant.
Coding change: c.1132T>A on transcript NM_000152.5 (MANE Select); coding-DNA position 1132, T replaced by A.
Protein change: p.Tyr378Asn; replaces tyrosine 378 with asparagine.
Molecular consequence: missense variant.
Genome position (GRCh38, 1-based): chr17:80,108,545, T>A. VCF-style: chr17-80108545-T-A. GRCh37 (hg19) VCF-style: chr17-78082344-T-A.
Other names: c.1132T>A, p.Tyr378Asn (NM_001079803.3, NM_001079804.3, NM_001406741.1 and 1 more transcripts); short protein forms Y378N.
Identifiers: ClinVar variation 2765142 (VCV002765142.3), dbSNP rs2510363533, ClinGen allele CA401365019.